The following is an entry in ClinVar:

ClinVar aggregate classification (germline): Likely benign. Review status: criteria provided, multiple submitters, no conflicts (2 of 4 stars). 3 submissions from 3 submitters: Likely benign (3). Last evaluated 2026-01-02.

Conditions:
Charcot-Marie-Tooth disease dominant intermediate F. Identifiers: Orphanet 352670, MedGen C4749463, MONDO:0014074, OMIM 615185.
GNB4-related disorder. Also called: GNB4-related condition.

Allele frequency attached by ClinVar (database versions not stated): gnomAD exomes 0.00001; TOPMed 0.00001.
gnomAD v4.1: 16 of 1,589,374 alleles (0.001%); highest among the groups gnomAD compares: Non-Finnish European, 0.0012%; no homozygotes.

Submissions (3):

PreventionGenetics, part of Exact Sciences
Classification: Likely benign for GNB4-related condition. Last evaluated: 2026-01-02. Review status: criteria provided, single submitter. Criteria: ACMG Guidelines, 2015. Collection method: clinical testing. Allele origin: germline.
Comment: This variant is classified as likely benign based on ACMG/AMP sequence variant interpretation guidelines (Richards et al. 2015 PMID: 25741868, with internal and published modifications).

Blueprint Genetics
Classification: Likely benign. Last evaluated: 2024-07-18. Review status: criteria provided, single submitter. Criteria: ACMG Guidelines, 2015. Collection method: clinical testing. Allele origin: germline.

Labcorp Genetics (formerly Invitae), Labcorp
Classification: Likely benign for Charcot-Marie-Tooth disease dominant intermediate F. Last evaluated: 2021-03-07. Review status: criteria provided, single submitter. Criteria: Invitae Variant Classification Sherloc (09022015). Collection method: clinical testing. Allele origin: germline.

NM_021629.4(GNB4):c.87G>A (p.Thr29=)

Gene: GNB4 (G protein subunit beta 4; minus strand). Cytogenetic location: 3q26.33.
Variant type: single nucleotide variant.
Coding change: c.87G>A on transcript NM_021629.4 (MANE Select); coding-DNA position 87, G replaced by A.
Protein change: p.Thr29=; no amino-acid change (threonine 29 retained).
Molecular consequence: synonymous variant.
Genome position (GRCh38, 1-based): chr3:179,420,898, C>T on the plus strand (G>A on the coding strand, the complement: GNB4 is on the minus strand). VCF-style: chr3-179420898-C-T. GRCh37 (hg19) VCF-style: chr3-179138686-C-T.
Other names: c.87G>A (NM_021629.3).
Identifiers: ClinVar variation 1607501 (VCV001607501.10), dbSNP rs1241877103, ClinGen allele CA437178066.
Genomic context (GRCh38, chr3:179,420,898, plus strand): 5'-CAAATTATTTTATGAGTTACCAAAATGAAATAAAGAAAAACAAAACTTTACCTGAACAAG[C>T]GTTGCATCATTACATGCTTTCCGAGCATCCTGAAGTAAAAAAATATGATTATAATGCATT-3'
Protein context (NP_067642.1, residues 19-39): QDARKACNDA[Thr29=]LVQITSNMDS